The following is an entry in ClinVar:

NM_152281.3(GORAB):c.668G>A (p.Arg223Gln)

Gene: GORAB (golgin, RAB6 interacting; plus strand). Cytogenetic location: 1q24.2.
Variant type: single nucleotide variant.
Coding change: c.668G>A on transcript NM_152281.3 (MANE Select); coding-DNA position 668, G replaced by A.
Protein change: p.Arg223Gln; replaces arginine 223 with glutamine.
Molecular consequence: missense variant. On other transcripts: non-coding transcript variant (1).
Genome position (GRCh38, 1-based): chr1:170,552,020, G>A. VCF-style: chr1-170552020-G-A. GRCh37 (hg19) VCF-style: chr1-170521161-G-A.
Other names: c.203G>A, p.Arg68Gln (NM_001320252.2); c.617G>A, p.Arg206Gln (NM_001410894.1); short protein forms R223Q, R206Q, R68Q.
Identifiers: ClinVar variation 1916991 (VCV001916991.2), dbSNP rs564838793, ClinGen allele CA1239219.

ClinVar aggregate classification (germline): Uncertain significance (1 of 4 stars; one submission).

Allele frequency attached by ClinVar (database versions not stated): TOPMed below 0.00001; ExAC 0.00002; gnomAD 0.00002; gnomAD exomes 0.00002; 1000 Genomes Project 30x 0.00016; 1000 Genomes Project 0.00020.
gnomAD v4.1: 34 of 1,613,596 alleles (0.0021%); highest among the groups gnomAD compares: South Asian, 0.0033%; no homozygotes.

Submission:

Labcorp Genetics (formerly Invitae), Labcorp
Classification: Uncertain significance. Last evaluated: 2022-07-23. Review status: criteria provided, single submitter. Criteria: Invitae Variant Classification Sherloc (09022015). Collection method: clinical testing. Allele origin: germline.
Comment: This sequence change replaces arginine, which is basic and polar, with glutamine, which is neutral and polar, at codon 248 of the GORAB protein (p.Arg248Gln). This variant is present in population databases (rs564838793, gnomAD 0.003%). This variant has not been reported in the literature in individuals affected with GORAB-related conditions. Algorithms developed to predict the effect of missense changes on protein structure and function are either unavailable or do not agree on the potential impact of this missense change (SIFT: "Tolerated"; PolyPhen-2: "Probably Damaging"; Align-GVGD: "Class C0"). In summary, the available evidence is currently insufficient to determine the role of this variant in disease. Therefore, it has been classified as a Variant of Uncertain Significance.